The following is an entry in ClinVar:

NM_001025603.2(RFX5):c.986T>C (p.Leu329Pro)

Gene: RFX5 (regulatory factor X5; minus strand). Cytogenetic location: 1q21.3.
Variant type: single nucleotide variant.
Coding change: c.986T>C on transcript NM_001025603.2 (MANE Select); coding-DNA position 986, T replaced by C.
Protein change: p.Leu329Pro; replaces leucine 329 with proline.
Molecular consequence: missense variant.
Genome position (GRCh38, 1-based): chr1:151,343,051, A>G on the plus strand (T>C on the coding strand, the complement: RFX5 is on the minus strand). VCF-style: chr1-151343051-A-G. GRCh37 (hg19) VCF-style: chr1-151315527-A-G.
Other names: c.986T>C, p.Leu329Pro (NM_000449.4, NM_001379412.1, NM_001379413.1 and 5 more transcripts); c.866T>C, p.Leu289Pro (NM_001379419.1, NM_001379420.1); short protein forms L289P, L329P.
Identifiers: ClinVar variation 1981337 (VCV001981337.3), dbSNP rs778532900, ClinGen allele CA1089689.
Genomic context (GRCh38, chr1:151,343,051, plus strand): 5'-GGTGGAGAGACTGGGATTGGCGGAATTAGTGAGCGAGGGGCCCGGGGAAGGAGCAGAGGC[A>G]GCCGAGCCACTAGGGCATTAACCTGCAGGTTATTGGCTCCTGGGGCCGAGCTCTCAACTA-3'
Protein context (NP_001020774.1, residues 319-339): NLQVNALVAR[Leu329Pro]PLLLPRAPRS

ClinVar aggregate classification (germline): Uncertain significance (1 of 4 stars; one submission).

Conditions:
MHC class II deficiency. Also called: Bare lymphocyte syndrome 2; BLS, TYPE II. Identifiers: Orphanet 572, MedGen C5447452, MONDO:0008855.

Allele frequency attached by ClinVar (database versions not stated): gnomAD exomes below 0.00001; TOPMed below 0.00001; ExAC 0.00001; gnomAD 0.00001.

Submission:

Labcorp Genetics (formerly Invitae), Labcorp
Classification: Uncertain significance for MHC class II deficiency. Last evaluated: 2023-12-21. Review status: criteria provided, single submitter. Criteria: Invitae Variant Classification Sherloc (09022015). Collection method: clinical testing. Allele origin: germline.
Comment: This sequence change replaces leucine, which is neutral and non-polar, with proline, which is neutral and non-polar, at codon 329 of the RFX5 protein (p.Leu329Pro). This variant is present in population databases (rs778532900, gnomAD 0.003%). This variant has not been reported in the literature in individuals affected with RFX5-related conditions. ClinVar contains an entry for this variant (Variation ID: 1981337). An algorithm developed to predict the effect of missense changes on protein structure and function (PolyPhen-2) suggests that this variant is likely to be disruptive. In summary, the available evidence is currently insufficient to determine the role of this variant in disease. Therefore, it has been classified as a Variant of Uncertain Significance.